The following is an entry in ClinVar:

NM_000520.6(HEXA):c.1359T>C (p.Ile453=)

Gene: HEXA (hexosaminidase subunit alpha; minus strand). Cytogenetic location: 15q23.
Variant type: single nucleotide variant.
Coding change: c.1359T>C on transcript NM_000520.6 (MANE Select); coding-DNA position 1359, T replaced by C.
Protein change: p.Ile453=; no amino-acid change (isoleucine 453 retained).
Molecular consequence: synonymous variant. On other transcripts: non-coding transcript variant (1).
Genome position (GRCh38, 1-based): chr15:72,346,297, A>G on the plus strand (T>C on the coding strand, the complement: HEXA is on the minus strand). VCF-style: chr15-72346297-A-G. GRCh37 (hg19) VCF-style: chr15-72638638-A-G.
Other names: p.Ile453=; c.1392T>C, p.Ile464= (NM_001318825.2).
Identifiers: ClinVar variation 1116489 (VCV001116489.10), dbSNP rs113941121, ClinGen allele CA272609851.

ClinVar aggregate classification (germline): Likely benign. Review status: criteria provided, multiple submitters, no conflicts (2 of 4 stars). 2 submissions from 2 submitters: Likely benign (2). Last evaluated 2025-09-03.

Conditions:
Tay-Sachs disease (TSD). Also called: HEXA DEFICIENCY; HEXA Disorders; GM2 gangliosidosis, type 1; Hexosaminidase alpha-subunit deficiency (variant B); Sphingolipidosis, Tay-Sachs; Hexosaminidase A Deficiency. Identifiers: Orphanet 845, MedGen C0039373, MONDO:0010100, OMIM 272800.

Allele frequency attached by ClinVar (database versions not stated): gnomAD exomes below 0.00001; gnomAD 0.00001 and 0.00002; TOPMed 0.00001.
gnomAD v4.1: 11 of 1,613,962 alleles (0.00068%); highest among the groups gnomAD compares: African/African-American, 0.0067%; no homozygotes.

Submissions (2):

Mayo Clinic Laboratories, Mayo Clinic
Classification: Likely benign. Last evaluated: 2025-09-03. Review status: criteria provided, single submitter. Criteria: ACMG Guidelines, 2015. Collection method: clinical testing. Allele origin: germline. Observed: 1 variant allele.
Comment: BP4, BP7

Labcorp Genetics (formerly Invitae), Labcorp
Classification: Likely benign for Tay-Sachs disease. Last evaluated: 2025-06-17. Review status: criteria provided, single submitter. Criteria: Invitae Variant Classification Sherloc (09022015). Collection method: clinical testing. Allele origin: germline.